The following is an entry in ClinVar:

ClinVar aggregate classification (germline): Pathogenic (1 of 4 stars; one submission).

Submission:

Labcorp Genetics (formerly Invitae), Labcorp
Classification: Pathogenic. Last evaluated: 2020-11-06. Review status: criteria provided, single submitter. Criteria: Invitae Variant Classification Sherloc (09022015). Collection method: clinical testing. Allele origin: germline.
Comment: For these reasons, this variant has been classified as Pathogenic. This variant has not been reported in the literature in individuals with LZTR1-related conditions. This variant is not present in population databases (ExAC no frequency). This sequence change creates a premature translational stop signal (p.Asp293Metfs*54) in the LZTR1 gene. It is expected to result in an absent or disrupted protein product. Loss-of-function variants in LZTR1 are known to be pathogenic (PMID: 24362817, 25335493, 25480913, 29469822, 30442762, 30859559).

Literature cited by the submitters: PubMed 24362817; PubMed 25335493; PubMed 25480913; PubMed 29469822; PubMed 30442762; PubMed 30859559.

NM_006767.4(LZTR1):c.877_889del (p.Asp293fs)

Gene: LZTR1 (leucine zipper like post translational regulator 1; plus strand). Cytogenetic location: 22q11.21.
Variant type: Deletion.
Coding change: c.877_889del on transcript NM_006767.4 (MANE Select); coding-DNA positions 877 to 889, 13 bases deleted (GACCGCCACCTCT).
Protein change: p.Asp293fs; shifts the reading frame from aspartic acid 293.
Molecular consequence: frameshift variant.
Genome position (GRCh38, 1-based): chr22:20,991,713-20,991,725, GACCGCCACCTCT deleted; deleting any 13 consecutive bases within chr22:20,991,712-20,991,725 gives the same sequence; the c. name uses the placement nearest the transcript's 3' end. VCF-style (leftmost placement, unchanged base first): chr22-20991711-TTGACCGCCACCTC-T. GRCh37 (hg19) VCF-style: chr22-21346000-TTGACCGCCACCTC-T.
Other names: short protein forms D293fs.
Identifiers: ClinVar variation 1073051 (VCV001073051.7), dbSNP rs2147964939, ClinGen allele CA2499226022.
Genomic context (GRCh38, chr22:20,991,711, plus strand): 5'-ACCTGCTCCGGGGCTCCCCACCACCCCCGCAGCGGCGCTACGGGCATACCATGGTGGCCT[TTGACCGCCACCTC>T]TATGTGTTTGGGGGTGCGGCCGACAACACGCTGCCCAACGAGCTGCACTGCTATGACGTG-3'